The following is an entry in ClinVar:

NM_000891.3(KCNJ2):c.496A>G (p.Ile166Val)

Gene: KCNJ2 (potassium inwardly rectifying channel subfamily J member 2; plus strand). Cytogenetic location: 17q24.3.
Variant type: single nucleotide variant.
Coding change: c.496A>G on transcript NM_000891.3 (MANE Select); coding-DNA position 496, A replaced by G.
Protein change: p.Ile166Val; replaces isoleucine 166 with valine.
Molecular consequence: missense variant.
Genome position (GRCh38, 1-based): chr17:70,175,535, A>G. VCF-style: chr17-70175535-A-G. GRCh37 (hg19) VCF-style: chr17-68171676-A-G.
Other names: short protein forms I166V.
Identifiers: ClinVar variation 3752047 (VCV003752047.2).
Genomic context (GRCh38, chr17:70,175,535, plus strand): 5'-GGTTTCAGATGTGTCACGGATGAATGCCCAATTGCTGTTTTCATGGTGGTGTTCCAGTCA[A>G]TCGTGGGCTGCATCATCGATGCTTTCATCATTGGCGCAGTCATGGCCAAGATGGCAAAGC-3'
Protein context (NP_000882.1, residues 156-176): IAVFMVVFQS[Ile166Val]VGCIIDAFII

ClinVar aggregate classification (germline): Uncertain significance (1 of 4 stars; one submission).

Conditions:
Andersen Tawil syndrome (LQT7). Also called: ANDERSEN CARDIODYSRHYTHMIC PERIODIC PARALYSIS; LONG QT SYNDROME 7; PERIODIC PARALYSIS, POTASSIUM-SENSITIVE CARDIODYSRHYTHMIC TYPE; Andersen Syndrome; Potassium-sensitive periodic paralysis, ventricular ectopy, and dysmorphic features. Identifiers: Orphanet 37553, MedGen C1563715, MONDO:0008222, OMIM 170390.
Short QT syndrome type 3. Identifiers: Orphanet 51083, MedGen C1865018, MONDO:0012314, OMIM 609622.

gnomAD v4.1: 5 of 1,614,078 alleles (0.00031%); highest among the groups gnomAD compares: South Asian, 0.0011%; no homozygotes.

Submission:

Labcorp Genetics (formerly Invitae), Labcorp
Classification: Uncertain significance for Short QT syndrome type 3; Andersen Tawil syndrome. Last evaluated: 2025-10-13. Review status: criteria provided, single submitter. Criteria: Invitae Variant Classification Sherloc (09022015). Collection method: clinical testing. Allele origin: germline.
Comment: This sequence change replaces isoleucine, which is neutral and non-polar, with valine, which is neutral and non-polar, at codon 166 of the KCNJ2 protein (p.Ile166Val). This variant is present in population databases (no rsID available, gnomAD 0.004%). This variant has not been reported in the literature in individuals affected with KCNJ2-related conditions. ClinVar contains an entry for this variant (Variation ID: 3752047). Invitae Evidence Modeling of protein sequence and biophysical properties (such as structural, functional, and spatial information, amino acid conservation, physicochemical variation, residue mobility, and thermodynamic stability) indicates that this missense variant is not expected to disrupt KCNJ2 protein function with a negative predictive value of 95%. In summary, the available evidence is currently insufficient to determine the role of this variant in disease. Therefore, it has been classified as a Variant of Uncertain Significance.